The following is an entry in ClinVar:

ClinVar aggregate classification (germline): Likely pathogenic (1 of 4 stars; one submission).

Conditions:
Acne inversa, familial, 1. Identifiers: MedGen C4551962, MONDO:0007728, OMIM 142690.

Submission:

Neuberg Centre For Genomic Medicine, NCGM
Classification: Likely pathogenic for Acne inversa, familial, 1. Last evaluated: 2023-06-22. Review status: criteria provided, single submitter. Criteria: ACMG Guidelines, 2015. Collection method: clinical testing. Allele origin: germline. Inheritance: Autosomal dominant inheritance. Affected: yes.
Comment: The observed frameshift c.278dup(p.Tyr94LeufsTer44) variant in NCSTN gene has not been reported previously as a pathogenic variant nor as a benign variant, to our knowledge. This variant is absent in gnomAD Exomes. This variant causes a frameshift starting with codon Tyrosine 94, changes this amino acid to Leucine residue, and creates a premature Stop codon at position 44 of the new reading frame, denoted p.Tyr94LeufsTer44. This variant is predicted to cause loss of normal protein function through protein truncation. Loss of function variants have been previously reported to be disease causing. For these reasons, this variant has been classified as Likely Pathogenic.

NM_015331.3(NCSTN):c.278dup (p.Tyr94fs)

Gene: NCSTN (nicastrin; plus strand). Cytogenetic location: 1q23.2.
Variant type: Duplication.
Coding change: c.278dup on transcript NM_015331.3 (MANE Select); coding-DNA position 278, one base duplicated (C; older notation c.278dupC).
Protein change: p.Tyr94fs; shifts the reading frame from tyrosine 94.
Molecular consequence: frameshift variant.
Genome position (GRCh38, 1-based): chr1:160,349,086, C duplicated; the last of 6 consecutive C bases (chr1:160,349,081-160,349,086); duplicating any one gives the same sequence. VCF-style (leftmost placement, unchanged base first): chr1-160349080-A-AC. GRCh37 (hg19) VCF-style: chr1-160318870-A-AC.
Other names: c.218dup, p.Tyr74fs (NM_001290184.2); c.278dup, p.Tyr94fs (NM_001290186.2, NM_001349729.2); short protein forms Y74fs, Y94fs.
Identifiers: ClinVar variation 3377655 (VCV003377655.1).
Genomic context (GRCh38, chr1:160,349,080, plus strand): 5'-GGGTTATCCACGTAGTAGAGAAAGAGGAGGACCTACAGTGGGTATTGACTGATGGCCCCA[A>AC]CCCCCCTTACATGGTTCTGCTGGAGAGCAAGCATTTTACCAGGTAAGAACTAGATGTATC-3'